The following is an entry in ClinVar:

ClinVar aggregate classification (germline): Uncertain significance (1 of 4 stars; one submission).

Allele frequency attached by ClinVar (database versions not stated): gnomAD 0.00001 and 0.00002; TOPMed 0.00002; gnomAD exomes 0.00004 and 0.00008; ExAC 0.00007; ESP Exome Variant Server 0.00016; 1000 Genomes Project 0.00020; 1000 Genomes Project 30x 0.00031.
gnomAD v4.1: 64 of 1,613,830 alleles (0.004%); highest among the groups gnomAD compares: South Asian, 0.049%; 1 homozygote.

Submission:

Labcorp Genetics (formerly Invitae), Labcorp
Classification: Uncertain significance. Last evaluated: 2023-10-22. Review status: criteria provided, single submitter. Criteria: Invitae Variant Classification Sherloc (09022015). Collection method: clinical testing. Allele origin: germline.
Comment: This sequence change replaces threonine, which is neutral and polar, with methionine, which is neutral and non-polar, at codon 459 of the COL13A1 protein (p.Thr459Met). This variant is present in population databases (rs372321927, gnomAD 0.05%). This variant has not been reported in the literature in individuals affected with COL13A1-related conditions. ClinVar contains an entry for this variant (Variation ID: 1419409). An algorithm developed to predict the effect of missense changes on protein structure and function (PolyPhen-2) suggests that this variant¬†is likely to be tolerated. In summary, the available evidence is currently insufficient to determine the role of this variant in disease. Therefore, it has been classified as a Variant of Uncertain Significance.

NM_001368882.1(COL13A1):c.1409C>T (p.Thr470Met)

Gene: COL13A1 (collagen type XIII alpha 1 chain; plus strand). Cytogenetic location: 10q22.1.
Variant type: single nucleotide variant.
Coding change: c.1409C>T on transcript NM_001368882.1 (MANE Select); coding-DNA position 1409, C replaced by T.
Protein change: p.Thr470Met; replaces threonine 470 with methionine.
Molecular consequence: missense variant.
Genome position (GRCh38, 1-based): chr10:69,927,097, C>T. VCF-style: chr10-69927097-C-T. GRCh37 (hg19) VCF-style: chr10-71686853-C-T.
Other names: c.1376C>T, p.Thr459Met (NM_001130103.2); c.1346C>T, p.Thr449Met (NM_001320951.2, NM_001368884.1); c.1373C>T, p.Thr458Met (NM_001368883.1); c.1310C>T, p.Thr437Met (NM_001368885.1, NM_080801.4, NM_080802.4); c.746C>T, p.Thr249Met (NM_001368886.1); c.1319C>T, p.Thr440Met (NM_001368895.1, NM_080800.4); c.1205C>T, p.Thr402Met (NM_001368896.1, NM_001368898.1, NM_080798.4); c.1232C>T, p.Thr411Met (NM_001368897.1); and 1 more; short protein forms T402M, T249M, T411M, T459M, T440M, T449M, T408M, T437M.
Identifiers: ClinVar variation 1419409 (VCV001419409.4), dbSNP rs372321927, ClinGen allele CA5534739.